The following is an entry in ClinVar:

ClinVar aggregate classification (germline): Benign/Likely benign. Review status: criteria provided, multiple submitters, no conflicts (2 of 4 stars). 10 submissions from 10 submitters: Benign (6); Likely benign (1). 3 of the submissions do not count toward it. Last evaluated 2026-09-01.

Allele frequency attached by ClinVar (database versions not stated): 1000 Genomes Project 30x 0.00250; 1000 Genomes Project 0.00260; TOPMed 0.00315; gnomAD exomes 0.00318 and 0.00453; ExAC 0.00326; gnomAD 0.00332 and 0.00338; ESP Exome Variant Server 0.00431.
gnomAD v4.1: 7,029 of 1,613,964 alleles (0.44%); highest among the groups gnomAD compares: Non-Finnish European, 0.53%; 20 homozygotes.

Submissions (10):

CeGaT Center for Human Genetics Tuebingen
Classification: Benign. Last evaluated: 2026-09-01. Review status: criteria provided, single submitter. Criteria: CeGaT Center For Human Genetics Tuebingen Variant Classification Criteria Version 2. Collection method: clinical testing. Allele origin: germline. Affected: yes. Observed: 57 variant alleles.
Comment: MTOR: BP4, BP7, BS1, BS2

Labcorp Genetics (formerly Invitae), Labcorp
Classification: Benign. Last evaluated: 2026-01-26. Review status: criteria provided, single submitter. Criteria: Invitae Variant Classification Sherloc (09022015). Collection method: clinical testing. Allele origin: germline.

ARUP Laboratories, Molecular Genetics and Genomics, ARUP Laboratories
Classification: Benign. Last evaluated: 2025-03-06. Review status: criteria provided, single submitter. Criteria: ARUP Molecular Germline Variant Investigation Process 2024. Collection method: clinical testing. Allele origin: germline.

Blueprint Genetics
Classification: Likely benign. Last evaluated: 2024-11-25. Review status: criteria provided, single submitter. Criteria: ACMG Guidelines, 2015. Collection method: clinical testing. Allele origin: germline.

Mayo Clinic Laboratories, Mayo Clinic
Classification: Benign. Last evaluated: 2024-04-29. Review status: criteria provided, single submitter. Criteria: ACMG Guidelines, 2015. Collection method: clinical testing. Allele origin: germline. Observed: 1 variant allele.
Comment: BA1_strong, BS2, BP4, BP7

GeneDx
Classification: Benign. Last evaluated: 2019-03-01. Review status: criteria provided, single submitter. Criteria: GeneDx Variant Classification Process June 2021. Collection method: clinical testing. Allele origin: germline. Affected: yes.

Breakthrough Genomics
Classification: Benign. Review status: criteria provided, single submitter. Criteria: ACMG Guidelines, 2015. Collection method: not provided. Allele origin: germline. Inheritance: Autosomal dominant inheritance. Affected: yes.

Clinical Genetics DNA and cytogenetics Diagnostics Lab, Erasmus MC, Erasmus Medical Center
Classification: Likely benign. Review status: no assertion criteria provided. Collection method: clinical testing. Allele origin: germline. Affected: yes. Study: VKGL Data-share Consensus. Not counted in ClinVar's aggregate classification.

Clinical Genetics, Academic Medical Center
Classification: Likely benign. Review status: no assertion criteria provided. Collection method: clinical testing. Allele origin: germline. Affected: yes. Study: VKGL Data-share Consensus. Not counted in ClinVar's aggregate classification.

Laboratory of Diagnostic Genome Analysis, Leiden University Medical Center (LUMC)
Classification: Benign. Review status: no assertion criteria provided. Collection method: clinical testing. Allele origin: germline. Affected: yes. Study: VKGL Data-share Consensus. Not counted in ClinVar's aggregate classification.

NM_004958.4(MTOR):c.7455C>T (p.Asp2485=)

Gene: MTOR (mechanistic target of rapamycin kinase; minus strand). Cytogenetic location: 1p36.22.
Variant type: single nucleotide variant.
Coding change: c.7455C>T on transcript NM_004958.4 (MANE Select); coding-DNA position 7455, C replaced by T.
Protein change: p.Asp2485=; no amino-acid change (aspartic acid 2485 retained).
Molecular consequence: synonymous variant.
Genome position (GRCh38, 1-based): chr1:11,109,363, G>A on the plus strand (C>T on the coding strand, the complement: MTOR is on the minus strand). VCF-style: chr1-11109363-G-A. GRCh37 (hg19) VCF-style: chr1-11169420-G-A.
Other names: p.Asp2485=.
Identifiers: ClinVar variation 695429 (VCV000695429.51), dbSNP rs41274506, ClinGen allele CA588812.